The following is an entry in ClinVar:

ClinVar aggregate classification (germline): Uncertain significance. Review status: criteria provided, multiple submitters, no conflicts (2 of 4 stars). 2 submissions from 2 submitters: Uncertain significance (2). Last evaluated 2024-09-18.

Allele frequency attached by ClinVar (database versions not stated): gnomAD exomes 0.00001; ExAC 0.00003; gnomAD 0.00003; TOPMed 0.00007; ESP Exome Variant Server 0.00008.
gnomAD v4.1: 8 of 1,613,142 alleles (0.0005%); highest among the groups gnomAD compares: African/African-American, 0.0093%; no homozygotes.

Submissions (2):

Ambry Genetics
Classification: Uncertain significance. Last evaluated: 2024-09-18. Review status: criteria provided, single submitter. Criteria: Ambry Variant Classification Scheme 2023. Collection method: clinical testing. Allele origin: germline.

Labcorp Genetics (formerly Invitae), Labcorp
Classification: Uncertain significance. Last evaluated: 2021-12-26. Review status: criteria provided, single submitter. Criteria: Invitae Variant Classification Sherloc (09022015). Collection method: clinical testing. Allele origin: germline.
Comment: This sequence change replaces serine, which is neutral and polar, with threonine, which is neutral and polar, at codon 1921 of the CACNA1B protein (p.Ser1921Thr). This variant is present in population databases (rs377626929, gnomAD 0.02%). This variant has not been reported in the literature in individuals affected with CACNA1B-related conditions. Advanced modeling of protein sequence and biophysical properties (such as structural, functional, and spatial information, amino acid conservation, physicochemical variation, residue mobility, and thermodynamic stability) performed at Invitae indicates that this missense variant is not expected to disrupt CACNA1B protein function. In summary, the available evidence is currently insufficient to determine the role of this variant in disease. Therefore, it has been classified as a Variant of Uncertain Significance.

NM_000718.4(CACNA1B):c.5762G>C (p.Ser1921Thr)

Gene: CACNA1B (calcium voltage-gated channel subunit alpha1 B; plus strand). Cytogenetic location: 9q34.3.
Variant type: single nucleotide variant.
Coding change: c.5762G>C on transcript NM_000718.4 (MANE Select); coding-DNA position 5762, G replaced by C.
Protein change: p.Ser1921Thr; replaces serine 1921 with threonine.
Molecular consequence: missense variant.
Genome position (GRCh38, 1-based): chr9:138,115,664, G>C. VCF-style: chr9-138115664-G-C. GRCh37 (hg19) VCF-style: chr9-141010116-G-C.
Other names: c.5762G>C, p.Ser1921Thr (NM_001243812.2); c.5762G>C (NM_000718.3); short protein forms S1921T.
Identifiers: ClinVar variation 1905271 (VCV001905271.3), dbSNP rs377626929, ClinGen allele CA5377475.
Genomic context (GRCh38, chr9:138,115,664, plus strand): 5'-AGCCGGCTGTGCTCCGAGGAGCCCGGGTTTTCCTTCGACAGAAGAGTTCCACCTCCCTCA[G>C]CAATGGCGGGGCCATGTGAGTATCCAGATGCAGGACATAGCTGGACAGGAGGAGGTCCAA-3'
Protein context (NP_000709.1, residues 1911-1931): FLRQKSSTSL[Ser1921Thr]NGGAIQNQES